The following is an entry in ClinVar:

NM_006947.4(SRP72):c.76G>A (p.Asp26Asn)

Gene: SRP72 (signal recognition particle 72; plus strand). Cytogenetic location: 4q12.
Variant type: single nucleotide variant.
Coding change: c.76G>A on transcript NM_006947.4 (MANE Select); coding-DNA position 76, G replaced by A.
Protein change: p.Asp26Asn; replaces aspartic acid 26 with asparagine.
Molecular consequence: missense variant. On other transcripts: non-coding transcript variant (1).
Genome position (GRCh38, 1-based): chr4:56,467,711, G>A. VCF-style: chr4-56467711-G-A. GRCh37 (hg19) VCF-style: chr4-57333877-G-A.
Other names: c.76G>A, p.Asp26Asn (NM_001267722.2); short protein forms D26N.
Identifiers: ClinVar variation 3801518 (VCV003801518.1).

ClinVar aggregate classification (germline): Uncertain significance (1 of 4 stars; one submission).

gnomAD v4.1: 1 of 1,553,924 alleles (0.000064%); highest among the groups gnomAD compares: Non-Finnish European, 0.000087%; no homozygotes.

Submission:

Ambry Genetics
Classification: Uncertain significance. Last evaluated: 2025-03-08. Review status: criteria provided, single submitter. Criteria: Ambry Variant Classification Scheme 2023. Collection method: clinical testing. Allele origin: germline.
Comment: The p.D26N variant (also known as c.76G>A), located in coding exon 1 of the SRP72 gene, results from a G to A substitution at nucleotide position 76. The aspartic acid at codon 26 is replaced by asparagine, an amino acid with highly similar properties. This amino acid position is conserved. In addition, this alteration is predicted to be tolerated by in silico analysis. Based on the available evidence, the clinical significance of this variant remains unclear.